The following is an entry in ClinVar:

NM_022552.5(DNMT3A):c.2207G>T (p.Arg736Leu)

Gene: DNMT3A (DNA methyltransferase 3 alpha; minus strand). Cytogenetic location: 2p23.3.
Variant type: single nucleotide variant.
Coding change: c.2207G>T on transcript NM_022552.5 (MANE Select); coding-DNA position 2207, G replaced by T.
Protein change: p.Arg736Leu; replaces arginine 736 with leucine.
Molecular consequence: missense variant. On other transcripts: non-coding transcript variant (1).
Genome position (GRCh38, 1-based): chr2:25,240,417, C>A on the plus strand (G>T on the coding strand, the complement: DNMT3A is on the minus strand). VCF-style: chr2-25240417-C-A. GRCh37 (hg19) VCF-style: chr2-25463286-C-A.
Other names: c.1751G>T, p.Arg584Leu (NM_001320893.1); c.1538G>T, p.Arg513Leu (NM_001375819.1); c.1640G>T, p.Arg547Leu (NM_153759.3); c.2207G>T, p.Arg736Leu (NM_175629.2); short protein forms R513L, R547L, R584L, R736L.
Identifiers: ClinVar variation 4280600 (VCV004280600.1), dbSNP rs139293773.

ClinVar aggregate classification (germline): Likely pathogenic (1 of 4 stars; one submission).

Conditions:
Tatton-Brown-Rahman overgrowth syndrome. Also called: Tatton-Brown-Rahman syndrome; Tall stature-intellectual disability-facial dysmorphism syndrome. Identifiers: Orphanet 404443, MedGen C4014545, MONDO:0014382, OMIM 615879.

Submission:

Applied Translational Genetics Group, University of Auckland
Classification: Likely pathogenic for Tatton-Brown-Rahman overgrowth syndrome. Last evaluated: 2025-10-08. Review status: criteria provided, single submitter. Criteria: ACMG Guidelines, 2015. Collection method: research. Allele origin: de novo. Inheritance: Autosomal dominant inheritance. Affected: yes. Observed: 1 heterozygote.
Comment: NM_022552.5:c.2207G>T is a missense mutation in DNMT3A which results in a substitution at position 736 from arginine (a positively charged polar amino acid) to leucine (an aliphatic hydrophobic amino acid). Mutations in DNMT3A are associated with the autosomal dominant condition Tatton-Brown-Rahman syndrome (OMIM: 615879). Tatton-Brown-Rahman syndrome is characterised by proportionate tall stature, intellectual disability, and distinctive facial features most notable of which are heavy horizontal eyebrows (PMID: 24614070), all of which are present in this individual (PP4). The variant has been identified as a de novo occurrence in a family without family history, but without confirmation of paternity and maternity (PM6). Aggregate in-silico prediction preformed by Revel predicts the variant to be Deleterious (Moderate) (0.87) (PP3). The mutation exists in a mutational hotspot with 11 pathogenic or likely pathogenic reported variants were found in a 149bp region surrounding this variant in exon 19 within the region 25463170-25463319 without any missense benign variants (PM1) .High certainty ClinVar pathogenic variants at the same location, but different substititions (VCV000981259.13 and VCV001194481.11) (PM5).There are three times more pathogenic variants (76) than benign variants (9) for curated missense variants in this gene (PP2). The variant is absent in the gnomAD population database, as would be expected for a rare genetic condition such as Tatton-Brown-Rahman syndrome (PM2). In summary, this variant meets criteria to be classified as likely pathogenic for Tatton-Brown-Rahman syndrome based on the ACMG/AMP criteria applied: PM1, PM5, PM6, PM1, PP2, PP3, PP4

Literature cited by the submitters: PubMed 24614070; PubMed 40756852.